The following is an entry in ClinVar:

ClinVar aggregate classification (germline): Uncertain significance (1 of 4 stars; one submission).

Submission:

GeneDx
Classification: Uncertain significance. Last evaluated: 2024-06-21. Review status: criteria provided, single submitter. Criteria: GeneDx Variant Classification Process June 2021. Collection method: clinical testing. Allele origin: germline.
Comment: Not observed at significant frequency in large population cohorts (gnomAD); In silico analysis supports that this missense variant has a deleterious effect on protein structure/function; Has not been previously published as pathogenic or benign to our knowledge

NM_016953.4(PDE11A):c.2363T>C (p.Phe788Ser)

Genes: PDE11A (phosphodiesterase 11A; minus strand), PDE11A-AS1 (PDE11A antisense RNA 1; plus strand). Cytogenetic location: 2q31.2.
Variant type: single nucleotide variant.
Coding change: c.2363T>C on transcript NM_016953.4 (MANE Select); coding-DNA position 2363, T replaced by C.
Protein change: p.Phe788Ser; replaces phenylalanine 788 with serine.
Molecular consequence: missense variant.
Genome position (GRCh38, 1-based): chr2:177,680,886, A>G on the plus strand (T>C on the coding strand, the complement: PDE11A is on the minus strand). VCF-style: chr2-177680886-A-G. GRCh37 (hg19) VCF-style: chr2-178545614-A-G.
Other names: c.1031T>C, p.Phe344Ser (NM_001077196.2); c.1613T>C, p.Phe538Ser (NM_001077197.2); c.1289T>C, p.Phe430Ser (NM_001077358.2); short protein forms F344S, F430S, F538S, F788S.
Identifiers: ClinVar variation 2499345 (VCV002499345.2), dbSNP rs2468262960, ClinGen allele CA349378060.